The following is an entry in ClinVar:

NC_000009.11:g.(?_6587121)_(6595139_?)del

Gene: GLDC (glycine decarboxylase; minus strand). Cytogenetic location: 9p24.1.
Variant type: Deletion.
Identifiers: ClinVar variation 2422530 (VCV002422530.6).

ClinVar aggregate classification (germline): Pathogenic (1 of 4 stars; one submission).

Conditions:
Glycine encephalopathy. Also called: Nonketotic hyperglycinemia; Non-ketotic hyperglycinemia. Identifiers: Orphanet 407, MedGen C0751748, MONDO:0011612, HP:0008288.

Submission:

Labcorp Genetics (formerly Invitae), Labcorp
Classification: Pathogenic for Glycine encephalopathy. Last evaluated: 2022-10-07. Review status: criteria provided, single submitter. Criteria: Invitae Variant Classification Sherloc (09022015). Collection method: clinical testing. Allele origin: germline.
Comment: This variant is a gross deletion of the genomic region encompassing exon(s) 9-15 of the GLDC gene. This deletion is out-of-frame, and is expected to create a premature termination codon and result in an absent or disrupted protein product. Loss-of-function variants in GLDC are known to be pathogenic (PMID: 16601880). A similar copy number variant has been observed in individual(s) with GLDC-related conditions (PMID: 22532538). For these reasons, this variant has been classified as Pathogenic.

Literature cited by the submitters: PubMed 16601880; PubMed 22532538.